The following is an entry in ClinVar:

ClinVar aggregate classification (germline): Uncertain significance (1 of 4 stars; one submission).

Allele frequency attached by ClinVar (database versions not stated): gnomAD exomes below 0.00001.
gnomAD v4.1: 1 of 1,595,566 alleles (0.000063%); highest among the groups gnomAD compares: Non-Finnish European, 0.000085%; no homozygotes.

Submission:

Labcorp Genetics (formerly Invitae), Labcorp
Classification: Uncertain significance. Last evaluated: 2023-05-22. Review status: criteria provided, single submitter. Criteria: Invitae Variant Classification Sherloc (09022015). Collection method: clinical testing. Allele origin: germline.
Comment: This sequence change replaces valine, which is neutral and non-polar, with isoleucine, which is neutral and non-polar, at codon 4823 of the ADGRV1 protein (p.Val4823Ile). This variant is not present in population databases (gnomAD no frequency). This variant has not been reported in the literature in individuals affected with ADGRV1-related conditions. ClinVar contains an entry for this variant (Variation ID: 1027125). Advanced modeling of protein sequence and biophysical properties (such as structural, functional, and spatial information, amino acid conservation, physicochemical variation, residue mobility, and thermodynamic stability) performed at Invitae indicates that this missense variant is not expected to disrupt ADGRV1 protein function. In summary, the available evidence is currently insufficient to determine the role of this variant in disease. Therefore, it has been classified as a Variant of Uncertain Significance.

NM_032119.4(ADGRV1):c.14467G>A (p.Val4823Ile)

Gene: ADGRV1 (adhesion G protein-coupled receptor V1; plus strand). Cytogenetic location: 5q14.3.
Variant type: single nucleotide variant.
Coding change: c.14467G>A on transcript NM_032119.4 (MANE Select); coding-DNA position 14467, G replaced by A.
Protein change: p.Val4823Ile; replaces valine 4823 with isoleucine.
Molecular consequence: missense variant. On other transcripts: non-coding transcript variant (1).
Genome position (GRCh38, 1-based): chr5:90,791,296, G>A. VCF-style: chr5-90791296-G-A. GRCh37 (hg19) VCF-style: chr5-90087113-G-A.
Other names: short protein forms V4823I.
Identifiers: ClinVar variation 1027125 (VCV001027125.8), dbSNP rs1760048584, ClinGen allele CA360402076.